The following is an entry in ClinVar:

NM_017654.4(SAMD9):c.2974T>A (p.Ser992Thr)

Gene: SAMD9 (sterile alpha motif domain containing 9; minus strand). Cytogenetic location: 7q21.2.
Variant type: single nucleotide variant.
Coding change: c.2974T>A on transcript NM_017654.4 (MANE Select); coding-DNA position 2974, T replaced by A.
Protein change: p.Ser992Thr; replaces serine 992 with threonine.
Molecular consequence: missense variant.
Genome position (GRCh38, 1-based): chr7:93,103,124, A>T on the plus strand (T>A on the coding strand, the complement: SAMD9 is on the minus strand). VCF-style: chr7-93103124-A-T. GRCh37 (hg19) VCF-style: chr7-92732437-A-T.
Other names: c.2974T>A, p.Ser992Thr (NM_001193307.2); short protein forms S992T.
Identifiers: ClinVar variation 3437018 (VCV003437018.1).

ClinVar aggregate classification (germline): Uncertain significance (1 of 4 stars; one submission).

Conditions:
Inborn genetic diseases. Identifiers: MedGen C0950123, MeSH D030342.

Submission:

Ambry Genetics
Classification: Uncertain significance for Inborn genetic diseases. Last evaluated: 2024-11-22. Review status: criteria provided, single submitter. Criteria: Ambry Variant Classification Scheme 2023. Collection method: clinical testing. Allele origin: germline.
Comment: The p.S992T variant (also known as c.2974T>A), located in coding exon 1 of the SAMD9 gene, results from a T to A substitution at nucleotide position 2974. The serine at codon 992 is replaced by threonine, an amino acid with similar properties. This amino acid position is conserved. In addition, this alteration is predicted to be tolerated by in silico analysis. Based on the available evidence, the clinical significance of this variant remains unclear.